The following is an entry in ClinVar:

NM_000143.4(FH):c.172G>A (p.Gly58Ser)

Gene: FH (fumarate hydratase; minus strand). Cytogenetic location: 1q43.
Variant type: single nucleotide variant.
Coding change: c.172G>A on transcript NM_000143.4 (MANE Select); coding-DNA position 172, G replaced by A.
Protein change: p.Gly58Ser; replaces glycine 58 with serine.
Molecular consequence: missense variant.
Genome position (GRCh38, 1-based): chr1:241,517,277, C>T on the plus strand (G>A on the coding strand, the complement: FH is on the minus strand). VCF-style: chr1-241517277-C-T. GRCh37 (hg19) VCF-style: chr1-241680577-C-T.
Other names: short protein forms G58S.
Identifiers: ClinVar variation 565991 (VCV000565991.53), dbSNP rs11545659, ClinGen allele CA345441941.

ClinVar aggregate classification (germline): Uncertain significance. Review status: criteria provided, multiple submitters, no conflicts (2 of 4 stars). 3 submissions from 3 submitters: Uncertain significance (3). Last evaluated 2025-11-11.

Conditions:
Hereditary cancer-predisposing syndrome. Also called: Hereditary neoplastic syndrome; Neoplastic Syndromes, Hereditary; Tumor predisposition; Hereditary Cancer Syndrome. Identifiers: Orphanet 140162, MedGen C0027672, MeSH D009386, MONDO:0015356.

Allele frequency attached by ClinVar (database versions not stated): gnomAD exomes 0.00001; TOPMed 0.00001.
gnomAD v4.1: 19 of 1,613,864 alleles (0.0012%); highest among the groups gnomAD compares: Non-Finnish European, 0.0016%; no homozygotes.

Submissions (3):

Labcorp Genetics (formerly Invitae), Labcorp
Classification: Uncertain significance. Last evaluated: 2025-11-11. Review status: criteria provided, single submitter. Criteria: Invitae Variant Classification Sherloc (09022015). Collection method: clinical testing. Allele origin: germline.
Comment: This sequence change replaces glycine, which is neutral and non-polar, with serine, which is neutral and polar, at codon 58 of the FH protein (p.Gly58Ser). This variant is not present in population databases (gnomAD no frequency). This variant has not been reported in the literature in individuals affected with FH-related conditions. ClinVar contains an entry for this variant (Variation ID: 565991). Invitae Evidence Modeling of protein sequence and biophysical properties (such as structural, functional, and spatial information, amino acid conservation, physicochemical variation, residue mobility, and thermodynamic stability) indicates that this missense variant is expected to disrupt FH protein function with a positive predictive value of 95%. Experimental studies are conflicting or provide insufficient evidence to determine the effect of this variant on FH function (PMID: 37255402). In summary, the available evidence is currently insufficient to determine the role of this variant in disease. Therefore, it has been classified as a Variant of Uncertain Significance.

Ambry Genetics
Classification: Uncertain significance for Hereditary cancer-predisposing syndrome. Last evaluated: 2024-11-19. Review status: criteria provided, single submitter. Criteria: Ambry Variant Classification Scheme 2023. Collection method: clinical testing. Allele origin: germline.
Comment: The p.G58S variant (also known as c.172G>A), located in coding exon 2 of the FH gene, results from a G to A substitution at nucleotide position 172. The glycine at codon 58 is replaced by serine, an amino acid with similar properties. While this variant has been detected in multiple individuals with no reported features of FH-associated disease (Ambry internal data), based on internal structural analysis, this variant is moderately destabilizing to the local structure (Ajalla Aleixo MA et al. FEBS J. 2019 05;286:1925-1940). This amino acid position is highly conserved in available vertebrate species. In addition, this alteration is predicted to be deleterious by in silico analysis. Based on the available evidence, the clinical significance of this variant remains unclear.

GeneDx
Classification: Uncertain significance. Last evaluated: 2023-01-26. Review status: criteria provided, single submitter. Criteria: GeneDx Variant Classification Process June 2021. Collection method: clinical testing. Allele origin: germline. Affected: yes.
Comment: Not observed at significant frequency in large population cohorts (gnomAD); In silico analysis supports that this missense variant has a deleterious effect on protein structure/function; Observed in an individual with breast cancer (McVeigh et al., 2020); This variant is associated with the following publications: (PMID: 30761759, 32008151)

Literature cited by the submitters: PubMed 37255402 (cited by Labcorp Genetics (formerly Invitae), Labcorp); PubMed 30761759 (cited by Ambry Genetics); PubMed 32008151 (cited by Ambry Genetics).